The following is an entry in ClinVar:

NM_170707.4(LMNA):c.1070A>G (p.Asp357Gly)

Gene: LMNA (lamin A/C; plus strand). Cytogenetic location: 1q22.
Variant type: single nucleotide variant.
Coding change: c.1070A>G on transcript NM_170707.4 (MANE Select); coding-DNA position 1070, A replaced by G.
Protein change: p.Asp357Gly; replaces aspartic acid 357 with glycine.
Molecular consequence: missense variant.
Genome position (GRCh38, 1-based): chr1:156,136,034, A>G. VCF-style: chr1-156136034-A-G. GRCh37 (hg19) VCF-style: chr1-156105825-A-G.
Other names: c.734A>G, p.Asp245Gly (NM_001257374.3, NM_001406989.1, NM_001406998.1); c.827A>G, p.Asp276Gly (NM_001282624.2, NM_001406986.1, NM_001406987.1); c.1070A>G, p.Asp357Gly (NM_001282625.2, NM_001282626.2, NM_001406983.1 and 6 more transcripts); c.773A>G, p.Asp258Gly (NM_001406988.1); c.512A>G, p.Asp171Gly (NM_001406990.1, NM_001406993.1, NM_001406995.1 and 4 more transcripts); c.446A>G, p.Asp149Gly (NM_001406994.1, NM_001406999.1, NM_001407000.1 and 1 more transcripts); short protein forms D149G, D171G, D245G, D258G, D276G, D357G.
Identifiers: ClinVar variation 2504491 (VCV002504491.2), dbSNP rs1131690785, ClinGen allele CA342820315.

ClinVar aggregate classification (germline): Conflicting classifications of pathogenicity. Review status: criteria provided, conflicting classifications (1 of 4 stars). 2 submissions from 2 submitters: Likely pathogenic (1); Uncertain significance (1). Last evaluated 2025-07-03.

Conditions:
Charcot-Marie-Tooth disease type 2. Also called: Charcot-Marie-Tooth type 2. Identifiers: Orphanet 64746, MedGen C0270914, MONDO:0018993.

Submissions (2):

Labcorp Genetics (formerly Invitae), Labcorp
Classification: Likely pathogenic for Charcot-Marie-Tooth disease type 2. Last evaluated: 2025-07-03. Review status: criteria provided, single submitter. Criteria: Invitae Variant Classification Sherloc (09022015). Collection method: clinical testing. Allele origin: germline.
Comment: This sequence change replaces aspartic acid, which is acidic and polar, with glycine, which is neutral and non-polar, at codon 357 of the LMNA protein (p.Asp357Gly). This variant is not present in population databases (gnomAD no frequency). This missense change has been observed in individual(s) with clinical features of autosomal dominant LMNA-related conditions (internal data). ClinVar contains an entry for this variant (Variation ID: 2504491). Invitae Evidence Modeling of protein sequence and biophysical properties (such as structural, functional, and spatial information, amino acid conservation, physicochemical variation, residue mobility, and thermodynamic stability) indicates that this missense variant is expected to disrupt LMNA protein function with a positive predictive value of 95%. This variant disrupts the p.Asp357 amino acid residue in LMNA. Other variant(s) that disrupt this residue have been determined to be pathogenic (PMID: 18480576, 22224630, 26573435). This suggests that this residue is clinically significant, and that variants that disrupt this residue are likely to be disease-causing. In summary, the currently available evidence indicates that the variant is pathogenic, but additional data are needed to prove that conclusively. Therefore, this variant has been classified as Likely Pathogenic.

GeneDx
Classification: Uncertain significance. Last evaluated: 2022-11-30. Review status: criteria provided, single submitter. Criteria: GeneDx Variant Classification Process June 2021. Collection method: clinical testing. Allele origin: germline. Affected: yes.
Comment: Not observed at significant frequency in large population cohorts (gnomAD); In silico analysis supports that this missense variant has a deleterious effect on protein structure/function; Has not been previously published as pathogenic or benign to our knowledge; This variant is associated with the following publications: (PMID: 10939567)

Literature cited by the submitters: PubMed 18480576 (cited by Labcorp Genetics (formerly Invitae), Labcorp); PubMed 22224630 (cited by Labcorp Genetics (formerly Invitae), Labcorp); PubMed 26573435 (cited by Labcorp Genetics (formerly Invitae), Labcorp).